The following is an entry in ClinVar:

NM_016628.5(WAC):c.1621A>G (p.Thr541Ala)

Gene: WAC (WW domain containing adaptor with coiled-coil; plus strand). Cytogenetic location: 10p12.1.
Variant type: single nucleotide variant.
Coding change: c.1621A>G on transcript NM_016628.5 (MANE Select); coding-DNA position 1621, A replaced by G.
Protein change: p.Thr541Ala; replaces threonine 541 with alanine.
Molecular consequence: missense variant.
Genome position (GRCh38, 1-based): chr10:28,616,237, A>G. VCF-style: chr10-28616237-A-G. GRCh37 (hg19) VCF-style: chr10-28905166-A-G.
Other names: c.1486A>G, p.Thr496Ala (NM_100264.3); c.1312A>G, p.Thr438Ala (NM_100486.4); short protein forms T438A, T496A, T541A.
Identifiers: ClinVar variation 3252819 (VCV003252819.1), dbSNP rs991762624.

ClinVar aggregate classification (germline): Uncertain significance (1 of 4 stars; one submission).

Submission:

GeneDx
Classification: Uncertain significance. Last evaluated: 2024-03-19. Review status: criteria provided, single submitter. Criteria: GeneDx Variant Classification Process June 2021. Collection method: clinical testing. Allele origin: germline. Affected: yes.
Comment: Not observed in large population cohorts (gnomAD); In silico analysis supports that this missense variant does not alter protein structure/function; Has not been previously published as pathogenic or benign to our knowledge